The following is an entry in ClinVar:

ClinVar aggregate classification (germline): Uncertain significance (1 of 4 stars; one submission).

Conditions:
Alstrom syndrome (ALMS). Identifiers: Orphanet 64, MedGen C0268425, MONDO:0008763, OMIM 203800.

Allele frequency attached by ClinVar (database versions not stated): gnomAD 0.00001; ESP Exome Variant Server 0.00008.
gnomAD v4.1: 9 of 1,613,984 alleles (0.00056%); highest among the groups gnomAD compares: Non-Finnish European, 0.00076%; no homozygotes.

Submission:

Labcorp Genetics (formerly Invitae), Labcorp
Classification: Uncertain significance for Alstrom syndrome. Last evaluated: 2021-07-21. Review status: criteria provided, single submitter. Criteria: Invitae Variant Classification Sherloc (09022015). Collection method: clinical testing. Allele origin: germline.
Comment: This sequence change replaces threonine with isoleucine at codon 3690 of the ALMS1 protein (p.Thr3690Ile). The threonine residue is moderately conserved and there is a moderate physicochemical difference between threonine and isoleucine. This variant is not present in population databases (ExAC no frequency). This variant has not been reported in the literature in individuals affected with ALMS1-related conditions. Experimental studies and prediction algorithms are not available or were not evaluated, and the functional significance of this variant is currently unknown. In summary, the available evidence is currently insufficient to determine the role of this variant in disease. Therefore, it has been classified as a Variant of Uncertain Significance.

NM_001378454.1(ALMS1):c.11066C>T (p.Thr3689Ile)

Gene: ALMS1 (ALMS1 centrosome and basal body associated protein; plus strand). Cytogenetic location: 2p13.1.
Variant type: single nucleotide variant.
Coding change: c.11066C>T on transcript NM_001378454.1 (MANE Select); coding-DNA position 11066, C replaced by T.
Protein change: p.Thr3689Ile; replaces threonine 3689 with isoleucine.
Molecular consequence: missense variant.
Genome position (GRCh38, 1-based): chr2:73,572,943, C>T. VCF-style: chr2-73572943-C-T. GRCh37 (hg19) VCF-style: chr2-73800070-C-T.
Other names: c.11069C>T, p.Thr3690Ile (NM_015120.4); short protein forms T3689I, T3690I.
Identifiers: ClinVar variation 2191059 (VCV002191059.1), dbSNP rs376708284, ClinGen allele CA50386703.